The following is an entry in ClinVar:

ClinVar aggregate classification (germline): Pathogenic (1 of 4 stars; one submission).

Conditions:
Epilepsy, familial focal, with variable foci 3 (FFEVF3). Identifiers: MedGen C4310708, MONDO:0014925, OMIM 617118.

Submission:

Labcorp Genetics (formerly Invitae), Labcorp
Classification: Pathogenic for Epilepsy, familial focal, with variable foci 3. Last evaluated: 2021-03-17. Review status: criteria provided, single submitter. Criteria: Invitae Variant Classification Sherloc (09022015). Collection method: clinical testing. Allele origin: germline.
Comment: For these reasons, this variant has been classified as Pathogenic. This variant has not been reported in the literature in individuals with NPRL3-related conditions. This variant is a gross deletion of the genomic region encompassing exon(s) 2-7 of the NPRL3 gene, which includes the initiator codon. The 5' end of this event is unknown as it extends beyond the assayed region for this gene and therefore may encompass additional genes. The 3' boundary is likely confined to intron 7 of the NPRL3 gene. It is expected to result in an absent or disrupted protein product. Loss-of-function variants in NPRL3 are known to be pathogenic (PMID: 26285051, 26505888).

Literature cited by the submitters: PubMed 26285051; PubMed 26505888.

NC_000016.9:g.(?_160503)_(188266_?)del

Gene: NPRL3 (NPR3 like, GATOR1 complex subunit; minus strand). Cytogenetic location: 16p13.3.
Variant type: Deletion.
Identifiers: ClinVar variation 1407381 (VCV001407381.4).